The following is an entry in ClinVar:

ClinVar aggregate classification (germline): Uncertain significance (1 of 4 stars; one submission).

Conditions:
WDR37-related disorder. Also called: WDR37-related condition.

Submission:

PreventionGenetics, part of Exact Sciences
Classification: Uncertain significance for WDR37-related condition. Last evaluated: 2023-06-12. Review status: criteria provided, single submitter. Criteria: ACMG Guidelines, 2015. Collection method: clinical testing. Allele origin: germline.
Comment: The WDR37 c.1156G>T variant is predicted to result in the amino acid substitution p.Asp386Tyr. To our knowledge, this variant has not been reported in the literature or in a large population database, indicating this variant is rare. At this time, the clinical significance of this variant is uncertain due to the absence of conclusive functional and genetic evidence.

NM_014023.4(WDR37):c.1156G>T (p.Asp386Tyr)

Gene: WDR37 (WD repeat domain 37; plus strand). Cytogenetic location: 10p15.3.
Variant type: single nucleotide variant.
Coding change: c.1156G>T on transcript NM_014023.4 (MANE Select); coding-DNA position 1156, G replaced by T.
Protein change: p.Asp386Tyr; replaces aspartic acid 386 with tyrosine.
Molecular consequence: missense variant.
Genome position (GRCh38, 1-based): chr10:1,124,270, G>T. VCF-style: chr10-1124270-G-T. GRCh37 (hg19) VCF-style: chr10-1170210-G-T.
Other names: short protein forms D386Y.
Identifiers: ClinVar variation 2632400 (VCV002632400.1), dbSNP rs764827885, ClinGen allele CA375856860.
Genomic context (GRCh38, chr10:1,124,270, plus strand): 5'-GTTCATAGCACTGTGACTTCTGCCGTGTTCACCGTGGGAGACAACGTGGTTTCAGGCAGC[G>T]ATGACCGCACGGTGAAAGTCTGGGACTTGAAAAATATGAGATCCCCCATTGCAACTATTC-3'
Protein context (NP_054742.2, residues 376-396): TVGDNVVSGS[Asp386Tyr]DRTVKVWDLK